The following is an entry in ClinVar:

NM_017849.4(TMEM127):c.410-5C>T

Gene: TMEM127 (transmembrane protein 127; minus strand). Cytogenetic location: 2q11.2.
Variant type: single nucleotide variant.
Coding change: c.410-5C>T on transcript NM_017849.4 (MANE Select); 5 bases into the intron before coding-DNA position 410, C replaced by T.
Molecular consequence: intron variant.
Genome position (GRCh38, 1-based): chr2:96,254,120, G>A on the plus strand (C>T on the coding strand, the complement: TMEM127 is on the minus strand). VCF-style: chr2-96254120-G-A. GRCh37 (hg19) VCF-style: chr2-96919858-G-A.
Other names: c.410-5C>T (NM_001193304.3).
Identifiers: ClinVar variation 463846 (VCV000463846.13), dbSNP rs1356874783, ClinGen allele CA534634900.
Genomic context (GRCh38, chr2:96,254,120, plus strand): 5'-CAAGATGAGTTCAGAAGCCCAATAAGAAAAGCCAATGACGGTGGCACACTGCAGAACTAG[G>A]AGACAGAGGGACAGCACAGAAGGGGAATTAGTGAGCACTCCACAGCTAGGATGCTTGAGG-3'

ClinVar aggregate classification (germline): Conflicting classifications of pathogenicity. Review status: criteria provided, conflicting classifications (1 of 4 stars). 3 submissions from 3 submitters: Uncertain significance (1); Likely benign (2). Last evaluated 2026-07-28.

Conditions:
Hereditary cancer-predisposing syndrome. Also called: Hereditary Cancer Syndrome; Hereditary neoplastic syndrome; Neoplastic Syndromes, Hereditary; Tumor predisposition. Identifiers: Orphanet 140162, MedGen C0027672, MeSH D009386, MONDO:0015356.
Hereditary pheochromocytoma and paraganglioma. Also called: Hereditary Paraganglioma-Pheochromocytoma Syndromes; Hereditary paragangliomas and pheochromocytomas; Hereditary pheochromocytoma-paraganglioma. Identifiers: Orphanet 29072, MedGen C4274332, MONDO:0017366.

Allele frequency attached by ClinVar (database versions not stated): gnomAD exomes 0.00001 and below 0.00001; TOPMed below 0.00001; gnomAD 0.00001.
gnomAD v4.1: 22 of 1,613,404 alleles (0.0014%); highest among the groups gnomAD compares: Non-Finnish European, 0.0017%; no homozygotes.

Submissions (3):

Myriad Genetics, Inc.
Classification: Likely benign for Hereditary pheochromocytoma and paraganglioma. Last evaluated: 2026-07-28. Review status: criteria provided, single submitter. Criteria: Myriad Autosomal Dominant, Autosomal Recessive and X-Linked Classification Criteria (2023). Collection method: clinical testing. Allele origin: unknown.
Comment: This variant is considered likely benign. This variant is intronic and is not expected to impact mRNA splicing.

Labcorp Genetics (formerly Invitae), Labcorp
Classification: Likely benign for Hereditary pheochromocytoma and paraganglioma. Last evaluated: 2025-12-01. Review status: criteria provided, single submitter. Criteria: Invitae Variant Classification Sherloc (09022015). Collection method: clinical testing. Allele origin: germline.

Ambry Genetics
Classification: Uncertain significance for Hereditary cancer-predisposing syndrome. Last evaluated: 2025-03-11. Review status: criteria provided, single submitter. Criteria: Ambry Variant Classification Scheme 2023. Collection method: clinical testing. Allele origin: germline.
Comment: The c.410-5C>T intronic variant results from a C to T substitution 5 nucleotides upstream from coding exon 3 in the TMEM127 gene. This nucleotide position is well conserved in available vertebrate species. In silico splice site analysis predicts that this alteration will not have any significant effect on splicing; however, direct evidence is insufficient at this time (Ambry internal data). Based on the available evidence, the clinical significance of this variant remains unclear.